The following is an entry in ClinVar:

NM_001040142.2(SCN2A):c.3695T>C (p.Ile1232Thr)

Gene: SCN2A (sodium voltage-gated channel alpha subunit 2; plus strand). Cytogenetic location: 2q24.3.
Variant type: single nucleotide variant.
Coding change: c.3695T>C on transcript NM_001040142.2 (MANE Select); coding-DNA position 3695, T replaced by C.
Protein change: p.Ile1232Thr; replaces isoleucine 1232 with threonine.
Molecular consequence: missense variant.
Genome position (GRCh38, 1-based): chr2:165,370,145, T>C. VCF-style: chr2-165370145-T-C. GRCh37 (hg19) VCF-style: chr2-166226655-T-C.
Other names: c.3695T>C, p.Ile1232Thr (NM_001040143.2, NM_001371246.1, NM_001371247.1 and 1 more transcripts); short protein forms I1232T.
Identifiers: ClinVar variation 1678590 (VCV001678590.2), dbSNP rs2105365090, ClinGen allele CA349027561.

ClinVar aggregate classification (germline): Uncertain significance (1 of 4 stars; one submission).

Conditions:
Developmental and epileptic encephalopathy, 11 (DEE11). Also called: Early infantile epileptic encephalopathy 11. Identifiers: Orphanet 1934, MedGen C3150987, MONDO:0013388, OMIM 613721.

Allele frequency attached by ClinVar (database versions not stated): gnomAD exomes below 0.00001.
gnomAD v4.1: 2 of 1,614,096 alleles (0.00012%); highest among the groups gnomAD compares: Non-Finnish European, 0.00017%; no homozygotes.

Submission:

Molecular Genetics, Royal Melbourne Hospital
Classification: Uncertain significance for Developmental and epileptic encephalopathy, 11. Last evaluated: 2020-11-20. Review status: criteria provided, single submitter. Criteria: ACMG Guidelines, 2015. Collection method: clinical testing. Allele origin: germline.
Comment: This sequence change is predicted to replace Isoleucine with Threonine at codon 1232 of the SCN2A protein (p.(Ile1232Thr)). The Isoleucine residue is highly conserved (100 vertebrates, UCSC), and located within an extracellular region of an ion transporter protein domain. There is a moderate physicochemical difference between Isoleucine and Threonine. The variant is absent from a large population cohort (PM2; gnomAD v2.1.1 and v3). The variant has not been previously reported in variant databases or the medical literature. Multiple lines of computational evidence predict a deleterious effect for the missense substitution (PP3; 6/6 algorithms). Based on the classification guidelines RMH ACMG Guidelines v1.2.1, this variant has been classified as a VARIANT OF UNCERTAIN SIGNIFICANCE. The following criteria are met: PM2, PP3.